The following is an entry in ClinVar:

ClinVar aggregate classification (germline): Uncertain significance. Review status: criteria provided, multiple submitters, no conflicts (2 of 4 stars). 2 submissions from 2 submitters: Uncertain significance (2). Last evaluated 2026-08-06.

Allele frequency attached by ClinVar (database versions not stated): gnomAD 0.00002; TOPMed 0.00002.
gnomAD v4.1: 57 of 1,525,306 alleles (0.0037%); highest among the groups gnomAD compares: Non-Finnish European, 0.0046%; no homozygotes.

Submissions (2):

OLLIN Analises Genomicas, OLLIN
Classification: Uncertain significance. Last evaluated: 2026-08-06. Review status: criteria provided, single submitter. Criteria: ACMG Guidelines 2015 PMID 25741868. Collection method: clinical testing. Allele origin: germline.
Comment: This missense variant, located in exon 1 (of 5), has been reported in ClinVar (accession VCV002567925.3) and in gnomAD with an allele frequency of 0.0037%. However, to our knowledge, it has not been reported in the scientific literature. In silico analysis predicts that this variant has a deleterious effect. According to the currently available evidence, this variant has been classified as uncertain significance (PM2_P, PP3_S).

Ambry Genetics
Classification: Uncertain significance. Last evaluated: 2025-11-08. Review status: criteria provided, single submitter. Criteria: Ambry Variant Classification Scheme 2023. Collection method: clinical testing. Allele origin: germline.

NM_012145.4(DTYMK):c.37G>A (p.Gly13Ser)

Gene: DTYMK (deoxythymidylate kinase; minus strand). Cytogenetic location: 2q37.3.
Variant type: single nucleotide variant.
Coding change: c.37G>A on transcript NM_012145.4 (MANE Select); coding-DNA position 37, G replaced by A.
Protein change: p.Gly13Ser; replaces glycine 13 with serine.
Molecular consequence: missense variant. On other transcripts: non-coding transcript variant (2).
Genome position (GRCh38, 1-based): chr2:241,686,747, C>T on the plus strand (G>A on the coding strand, the complement: DTYMK is on the minus strand). VCF-style: chr2-241686747-C-T. GRCh37 (hg19) VCF-style: chr2-242626162-C-T.
Other names: c.37G>A, p.Gly13Ser (NM_001320903.2, NM_001320904.2, NM_001320905.2 and 2 more transcripts); short protein forms G13S.
Identifiers: ClinVar variation 2567925 (VCV002567925.4), dbSNP rs779996055, ClinGen allele CA2221174.